The following is an entry in ClinVar:

ClinVar aggregate classification (germline): Benign/Likely benign. Review status: criteria provided, multiple submitters, no conflicts (2 of 4 stars). 6 submissions from 6 submitters: Benign (5); Likely benign (1). Last evaluated 2026-09-01.

Conditions:
Succinate-semialdehyde dehydrogenase deficiency (SSADHD). Also called: Succinic Semialdehyde Dehydrogenase Deficiency; 4-HYDROXYBUTYRIC ACIDURIA; SSADH DEFICIENCY; GABA METABOLIC DEFECT. Identifiers: Orphanet 22, MedGen C0268631, MONDO:0010083, OMIM 271980.

Allele frequency attached by ClinVar (database versions not stated): gnomAD 0.00678 and 0.00705; 1000 Genomes Project 0.00260; 1000 Genomes Project 30x 0.00265; gnomAD exomes 0.00616 and 0.00960; ExAC 0.00619; TOPMed 0.00732; ESP Exome Variant Server 0.00930.
gnomAD v4.1: 14,975 of 1,613,906 alleles (0.93%); highest among the groups gnomAD compares: Non-Finnish European, 1.2%; 106 homozygotes.

Submissions (6):

CeGaT Center for Human Genetics Tuebingen
Classification: Benign. Last evaluated: 2026-09-01. Review status: criteria provided, single submitter. Criteria: CeGaT Center For Human Genetics Tuebingen Variant Classification Criteria Version 2. Collection method: clinical testing. Allele origin: germline. Affected: yes. Observed: 39 variant alleles.
Comment: ALDH5A1: BP4, BP7, BS1, BS2

Labcorp Genetics (formerly Invitae), Labcorp
Classification: Benign for Succinate-semialdehyde dehydrogenase deficiency. Last evaluated: 2026-02-02. Review status: criteria provided, single submitter. Criteria: Invitae Variant Classification Sherloc (09022015). Collection method: clinical testing. Allele origin: germline.

Mayo Clinic Laboratories, Mayo Clinic
Classification: Likely benign. Last evaluated: 2024-12-05. Review status: criteria provided, single submitter. Criteria: ACMG Guidelines, 2015. Collection method: clinical testing. Allele origin: germline. Observed: 10 variant alleles.
Comment: BS1, BP4, BP7

GeneDx
Classification: Benign. Last evaluated: 2019-08-26. Review status: criteria provided, single submitter. Criteria: GeneDx Variant Classification Process June 2021. Collection method: clinical testing. Allele origin: germline. Affected: yes.

Illumina Laboratory Services, Illumina
Classification: Benign for Succinate-semialdehyde dehydrogenase deficiency. Last evaluated: 2017-04-27. Review status: criteria provided, single submitter. Criteria: ICSL Variant Classification Criteria 13 December 2019. Collection method: clinical testing. Allele origin: germline.
Comment: This variant was observed as part of a predisposition screen in an ostensibly healthy population. A literature search was performed for the gene, cDNA change, and amino acid change (where applicable). Publications were found based on this search. The evidence from the literature, in combination with allele frequency data from public databases where available, was sufficient to rule this variant out of causing disease. Therefore, this variant is classified as benign.

Eurofins Ntd Llc (ga)
Classification: Benign. Last evaluated: 2016-06-03. Review status: criteria provided, single submitter. Criteria: EGL Classification Definitions 2015. Collection method: clinical testing. Allele origin: germline. Observed: 1 variant allele, 1 heterozygote.

Literature cited by the submitters: PubMed 14635103 (cited by Mayo Clinic Laboratories, Mayo Clinic and Illumina Laboratory Services, Illumina); PubMed 16406321 (cited by Mayo Clinic Laboratories, Mayo Clinic); PubMed 1301198 (cited by Illumina Laboratory Services, Illumina).

NM_001080.3(ALDH5A1):c.1389T>C (p.Asp463=)

Gene: ALDH5A1 (aldehyde dehydrogenase 5 family member A1; plus strand). Cytogenetic location: 6p22.3.
Variant type: single nucleotide variant.
Coding change: c.1389T>C on transcript NM_001080.3 (MANE Select); coding-DNA position 1389, T replaced by C.
Protein change: p.Asp463=; no amino-acid change (aspartic acid 463 retained).
Molecular consequence: synonymous variant.
Genome position (GRCh38, 1-based): chr6:24,532,164, T>C. VCF-style: chr6-24532164-T-C. GRCh37 (hg19) VCF-style: chr6-24532392-T-C.
Other names: p.Asp463=; c.1245T>C, p.Asp415= (NM_001368954.1); c.1428T>C, p.Asp476= (NM_170740.1).
Identifiers: ClinVar variation 287826 (VCV000287826.47), dbSNP rs58747567, ClinGen allele CA3656933.
Genomic context (GRCh38, chr6:24,532,164, plus strand): 5'-TCTTAACTTTGGCAGGTTCGATACAGAGGAGGAGGCTATAGCAATCGCTAACGCAGCTGA[T>C]GTTGGGTTAGCAGGTAGGTGTTTGTCCTTGTTCAATACCAGTCATAATCATTTTTCTCCA-3'
Protein context (NP_001071.1, residues 453-473): EEAIAIANAA[Asp463=]VGLAGYFYSQ